The following is an entry in ClinVar:

ClinVar aggregate classification (germline): Likely pathogenic (1 of 4 stars; one submission).

Conditions:
Autosomal dominant KAT6B-related disorders.

Submission:

Rady Children's Institute for Genomic Medicine, Rady Children's Hospital San Diego
Classification: Likely pathogenic for Autosomal dominant KAT6B-related disorders. Last evaluated: 2019-05-02. Review status: criteria provided, single submitter. Criteria: ACMG Guidelines, 2015. Collection method: clinical testing. Allele origin: germline. Affected: yes.
Comment: This nonsense variant found in exon 18 of 18 is predicted to result in loss of normal protein function. This variant has not been previously reported or functionally characterized in the literature to our knowledge. The majority of previously reported Pathogenic changes in KAT6B occur in the terminal exons (exon 16-18). This variant is absent from the ExAC and gnomAD population databases and thus is presumed to be rare. In silico tools used to predict the effect of this variant on protein function yield discordant results. Analysis of the parental samples was negative for the variant, indicating this variant likely occurred as a de novo event. Based on the available evidence, the c.4162C>T (p.Gln1388Ter) variant is classified as Likely Pathogenic.

NM_012330.4(KAT6B):c.4162C>T (p.Gln1388Ter)

Gene: KAT6B (lysine acetyltransferase 6B; plus strand). Cytogenetic location: 10q22.2.
Variant type: single nucleotide variant.
Coding change: c.4162C>T on transcript NM_012330.4 (MANE Select); coding-DNA position 4162, C replaced by T.
Protein change: p.Gln1388Ter; replaces glutamine 1388 with a stop codon.
Molecular consequence: nonsense.
Genome position (GRCh38, 1-based): chr10:75,028,986, C>T. VCF-style: chr10-75028986-C-T. GRCh37 (hg19) VCF-style: chr10-76788744-C-T.
Other names: c.3613C>T, p.Gln1205Ter (NM_001256468.2, NM_001370138.1); c.3286C>T, p.Gln1096Ter (NM_001256469.2, NM_001370139.1, NM_001370140.1 and 2 more transcripts); c.3124C>T, p.Gln1042Ter (NM_001370132.1); c.2473C>T, p.Gln825Ter (NM_001370133.1); c.2077C>T, p.Gln693Ter (NM_001370134.1); c.1819C>T, p.Gln607Ter (NM_001370135.1); c.4162C>T, p.Gln1388Ter (NM_001370136.1, NM_001370137.1); c.3097C>T, p.Gln1033Ter (NM_001370143.1, NM_001370144.1); short protein forms Q1033*, Q1042*, Q1096*, Q1205*, Q1388*, Q607*, Q693*, Q825*.
Identifiers: ClinVar variation 986348 (VCV000986348.1), dbSNP rs1846100784, ClinGen allele CA377296125.
Genomic context (GRCh38, chr10:75,028,986, plus strand): 5'-GAAGGGGAAGAAGAAGAAGGAGGAGGAAATGTAGAAAAAGATCCAGATGGTGCTAAAAGC[C>T]AAGAAAAAGAGGAACCAGAAATCTCCACGGAAAAAGAAGACTCTGCACGTTTGGATGATC-3'